The following is an entry in ClinVar:

NM_004064.5(CDKN1B):c.238G>A (p.Glu80Lys)

Gene: CDKN1B (cyclin dependent kinase inhibitor 1B; plus strand). Cytogenetic location: 12p13.1.
Variant type: single nucleotide variant.
Coding change: c.238G>A on transcript NM_004064.5 (MANE Select); coding-DNA position 238, G replaced by A.
Protein change: p.Glu80Lys; replaces glutamic acid 80 with lysine.
Molecular consequence: missense variant.
Genome position (GRCh38, 1-based): chr12:12,718,077, G>A. VCF-style: chr12-12718077-G-A. GRCh37 (hg19) VCF-style: chr12-12871011-G-A.
Other names: c.238G>A (NM_004064.3); short protein forms E80K.
Identifiers: ClinVar variation 1017019 (VCV001017019.9), dbSNP rs1765908267, ClinGen allele CA383969724.
Genomic context (GRCh38, chr12:12,718,077, plus strand): 5'-TGGAATTTCGATTTTCAGAATCACAAACCCCTAGAGGGCAAGTACGAGTGGCAAGAGGTG[G>A]AGAAGGGCAGCTTGCCCGAGTTCTACTACAGACCCCCGCGGCCCCCCAAAGGTGCCTGCA-3'
Protein context (NP_004055.1, residues 70-90): LEGKYEWQEV[Glu80Lys]KGSLPEFYYR

ClinVar aggregate classification (germline): Uncertain significance. Review status: criteria provided, multiple submitters, no conflicts (2 of 4 stars). 2 submissions from 2 submitters: Uncertain significance (2). Last evaluated 2025-07-22.

Conditions:
Hereditary cancer-predisposing syndrome. Also called: Tumor predisposition; Hereditary Cancer Syndrome; Neoplastic Syndromes, Hereditary; Hereditary neoplastic syndrome. Identifiers: Orphanet 140162, MedGen C0027672, MeSH D009386, MONDO:0015356.
Multiple endocrine neoplasia type 4. Also called: MULTIPLE ENDOCRINE NEOPLASIA, TYPE IV. Identifiers: Orphanet 276152, MedGen C1970712, MONDO:0012552, OMIM 610755.

Allele frequency attached by ClinVar (database versions not stated): gnomAD exomes below 0.00001; TOPMed below 0.00001; gnomAD 0.00001.

Submissions (2):

Labcorp Genetics (formerly Invitae), Labcorp
Classification: Uncertain significance for Multiple endocrine neoplasia type 4. Last evaluated: 2025-07-22. Review status: criteria provided, single submitter. Criteria: Invitae Variant Classification Sherloc (09022015). Collection method: clinical testing. Allele origin: germline.
Comment: This sequence change replaces glutamic acid, which is acidic and polar, with lysine, which is basic and polar, at codon 80 of the CDKN1B protein (p.Glu80Lys). This variant is not present in population databases (gnomAD no frequency). This variant has not been reported in the literature in individuals affected with CDKN1B-related conditions. ClinVar contains an entry for this variant (Variation ID: 1017019). An algorithm developed to predict the effect of missense changes on protein structure and function (PolyPhen-2) suggests that this variant is likely to be tolerated. In summary, the available evidence is currently insufficient to determine the role of this variant in disease. Therefore, it has been classified as a Variant of Uncertain Significance.

Ambry Genetics
Classification: Uncertain significance for Hereditary cancer-predisposing syndrome. Last evaluated: 2025-05-29. Review status: criteria provided, single submitter. Criteria: Ambry Variant Classification Scheme 2023. Collection method: clinical testing. Allele origin: germline.
Comment: The p.E80K variant (also known as c.238G>A), located in coding exon 1 of the CDKN1B gene, results from a G to A substitution at nucleotide position 238. The glutamic acid at codon 80 is replaced by lysine, an amino acid with similar properties. This amino acid position is conserved. In addition, the in silico prediction for this alteration is inconclusive. Based on the available evidence, the clinical significance of this variant remains unclear.